The following is an entry in ClinVar:

ClinVar aggregate classification (germline): Pathogenic (1 of 4 stars; one submission).

Conditions:
Ataxia-telangiectasia-like disorder (ATLD). Identifiers: MedGen C1858391, MONDO:0011457.

Submission:

Labcorp Genetics (formerly Invitae), Labcorp
Classification: Pathogenic for Ataxia-telangiectasia-like disorder. Last evaluated: 2023-11-27. Review status: criteria provided, single submitter. Criteria: Invitae Variant Classification Sherloc (09022015). Collection method: clinical testing. Allele origin: germline.
Comment: This sequence change creates a premature translational stop signal (p.Leu493Serfs*31) in the MRE11 gene. It is expected to result in an absent or disrupted protein product. Loss-of-function variants in MRE11 are known to be pathogenic (PMID: 23080121, 23912341). This variant is not present in population databases (gnomAD no frequency). This variant has not been reported in the literature in individuals affected with MRE11-related conditions. ClinVar contains an entry for this variant (Variation ID: 2011918). For these reasons, this variant has been classified as Pathogenic.

Literature cited by the submitters: PubMed 23080121; PubMed 23912341.

NM_005591.4(MRE11):c.1477del (p.Leu493fs)

Gene: MRE11 (MRE11 double strand break repair nuclease; minus strand). Cytogenetic location: 11q21.
Variant type: Deletion.
Coding change: c.1477del on transcript NM_005591.4 (MANE Select); coding-DNA position 1477, one base deleted (C; older notation c.1477delC).
Protein change: p.Leu493fs; shifts the reading frame from leucine 493.
Molecular consequence: frameshift variant.
Genome position (GRCh38, 1-based): chr11:94,459,431, G deleted on the plus strand (C on the coding strand, the reverse complement: MRE11 is on the minus strand); the first of 3 consecutive G bases (chr11:94,459,431-94,459,433); deleting any one gives the same sequence. VCF-style (leftmost placement, unchanged base first): chr11-94459430-AG-A. GRCh37 (hg19) VCF-style: chr11-94192596-AG-A.
Other names: c.1477del, p.Leu493fs (NM_001330347.2, NM_005590.4); short protein forms L493fs.
Identifiers: ClinVar variation 2011918 (VCV002011918.4), dbSNP rs2496384376, ClinGen allele CA2580085056.